The following is an entry in ClinVar:

ClinVar aggregate classification (germline): Uncertain significance (1 of 4 stars; one submission).

Submission:

Labcorp Genetics (formerly Invitae), Labcorp
Classification: Uncertain significance. Last evaluated: 2025-05-27. Review status: criteria provided, single submitter. Criteria: Invitae Variant Classification Sherloc (09022015). Collection method: clinical testing. Allele origin: germline.
Comment: This sequence change falls in intron 1 of the ZNF513 gene. It does not directly change the encoded amino acid sequence of the ZNF513 protein. This variant is not present in population databases (gnomAD no frequency). This variant has not been reported in the literature in individuals affected with ZNF513-related conditions. Algorithms developed to predict the effect of sequence changes on RNA splicing suggest that this variant may disrupt the consensus splice site. In summary, the available evidence is currently insufficient to determine the role of this variant in disease. Therefore, it has been classified as a Variant of Uncertain Significance.

NM_144631.6(ZNF513):c.56-10C>G

Gene: ZNF513 (zinc finger protein 513; minus strand). Cytogenetic location: 2p23.3.
Variant type: single nucleotide variant.
Coding change: c.56-10C>G on transcript NM_144631.6 (MANE Select); 10 bases into the intron before coding-DNA position 56, C replaced by G.
Molecular consequence: intron variant. On other transcripts: 5 prime UTR variant (1).
Genome position (GRCh38, 1-based): chr2:27,380,258, G>C on the plus strand (C>G on the coding strand, the complement: ZNF513 is on the minus strand). VCF-style: chr2-27380258-G-C. GRCh37 (hg19) VCF-style: chr2-27603125-G-C.
Other names: c.-141C>G (NM_001201459.2).
Identifiers: ClinVar variation 4755175 (VCV004755175.1).